The following is an entry in ClinVar:

ClinVar aggregate classification (germline): Uncertain significance (1 of 4 stars; one submission).

Conditions:
Neurofibromatosis, type 1 (NF1). Also called: VON RECKLINGHAUSEN DISEASE; NEUROFIBROMATOSIS, TYPE I, SOMATIC; Peripheral type neurofibromatosis; Neurofibromatosis, type I. Identifiers: Orphanet 636, MedGen C0027831, MONDO:0018975, OMIM 162200. Disease mechanism: loss of function.

Submission:

Labcorp Genetics (formerly Invitae), Labcorp
Classification: Uncertain significance for Neurofibromatosis, type 1. Last evaluated: 2017-05-23. Review status: criteria provided, single submitter. Criteria: Invitae Variant Classification Sherloc (09022015). Collection method: clinical testing. Allele origin: germline.
Comment: This variant is not present in population databases (ExAC no frequency). This sequence change replaces isoleucine with phenylalanine at codon 838 of the NF1 protein (p.Ile838Phe). The isoleucine residue is moderately conserved and there is a small physicochemical difference between isoleucine and phenylalanine. This variant has not been reported in the literature in individuals with an NF1-related disease. In summary, this variant has uncertain impact on NF1 function. The available evidence is currently insufficient to determine its role in disease. Therefore, it has been classified as a Variant of Uncertain Significance. Algorithms developed to predict the effect of missense changes on protein structure and function do not agree on the potential impact of this missense change (SIFT: "Tolerated"; PolyPhen-2: "Probably Damaging"; Align-GVGD: "Class C0").

NM_001042492.3(NF1):c.2512A>T (p.Ile838Phe)

Gene: NF1 (neurofibromin 1; plus strand). Cytogenetic location: 17q11.2.
Variant type: single nucleotide variant.
Coding change: c.2512A>T on transcript NM_001042492.3 (MANE Select); coding-DNA position 2512, A replaced by T.
Protein change: p.Ile838Phe; replaces isoleucine 838 with phenylalanine.
Molecular consequence: missense variant.
Genome position (GRCh38, 1-based): chr17:31,229,127, A>T. VCF-style: chr17-31229127-A-T. GRCh37 (hg19) VCF-style: chr17-29556145-A-T.
Other names: c.2512A>T, p.Ile838Phe (NM_000267.4); short protein forms I838F.
Identifiers: ClinVar variation 457586 (VCV000457586.5), dbSNP rs1555614212, ClinGen allele CA398984143.